The following is an entry in ClinVar:

NM_000492.4(CFTR):c.972del (p.Tyr325fs)

Gene: CFTR (CF transmembrane conductance regulator; plus strand). Cytogenetic location: 7q31.2.
Variant type: Deletion.
Coding change: c.972del on transcript NM_000492.4 (MANE Select); coding-DNA position 972, one base deleted (C; older notation c.972delC).
Protein change: p.Tyr325fs; shifts the reading frame from tyrosine 325.
Molecular consequence: frameshift variant.
Genome position (GRCh38, 1-based): chr7:117,540,202, C deleted; the last of 3 consecutive C bases (chr7:117,540,200-117,540,202); deleting any one gives the same sequence. VCF-style (leftmost placement, unchanged base first): chr7-117540199-TC-T. GRCh37 (hg19) VCF-style: chr7-117180253-TC-T.
Other names: c.972del (NM_000492.3); short protein forms Y325fs.
Identifiers: ClinVar variation 1706059 (VCV001706059.2), dbSNP rs2485026699, ClinGen allele CA2580076450.
Genomic context (GRCh38, chr7:117,540,199, plus strand): 5'-ATACTTCAATAGCTCAGCCTTCTTCTTCTCAGGGTTCTTTGTGGTGTTTTTATCTGTGCT[TC>T]CCTATGCACTAATCAAAGGAATCATCCTCCGGAAAATATTCACCACCATCTCATTCTGCA-3'

ClinVar aggregate classification (germline): Pathogenic. Review status: criteria provided, multiple submitters, no conflicts (2 of 4 stars). 2 submissions from 2 submitters: Pathogenic (2). Last evaluated 2025-09-15.

Conditions:
CFTR-related disorder (CFTR-RD). Also called: CFTR-related condition; CFTR-related disorders. Identifiers: MedGen C5924204, MONDO:7770004.
Cystic fibrosis (CF). Also called: MUCOVISCIDOSIS. Identifiers: Orphanet 586, MedGen C0010674, MONDO:0009061, OMIM 219700. Disease mechanism: loss of function.

Submissions (2):

Natera, Inc.
Classification: Pathogenic for CFTR-related disorders. Last evaluated: 2025-09-15. Review status: criteria provided, single submitter. Criteria: Natera Variant Classification Schema (03/2026). Collection method: clinical testing. Allele origin: germline.
Comment: The c.972del variant in CFTR is a frameshift variant predicted to shift the reading frame beginning at codon 325 and leads to a stop codon 3 codons downstream. This variant is expected to result in nonsense mediated decay, truncation, or a dysfunctional protein product. This variant is rare in the general population with a frequency below the threshold expected for the associated phenotype(s). This variant has been observed in one or more individuals affected with the associated recessive disease, as either homozygous or compound heterozygous with a second variant (PMID: 37867076). Given the available evidence, this variant is classified as Pathogenic.

Institute of Human Genetics, University of Leipzig Medical Center
Classification: Pathogenic for Cystic fibrosis. Last evaluated: 2022-09-05. Review status: criteria provided, single submitter. Criteria: ACMG Guidelines, 2015. Collection method: curation. Allele origin: unknown. Affected: yes. Observed: 1 variant allele.
Comment: The variant was classified in the context of a project re-classifying variants in the German Cystic Fibrosis Registry (Muko.e.V.). Criteria applied: PVS1, PM2_SUP, PP4

Literature cited by the submitters: PubMed 37867076 (cited by Natera, Inc.).